The following is an entry in ClinVar:

ClinVar aggregate classification (germline): Uncertain significance. Review status: criteria provided, multiple submitters, no conflicts (2 of 4 stars). 2 submissions from 2 submitters: Uncertain significance (2). Last evaluated 2025-05-14.

Conditions:
Acute myeloid leukemia (AML). Also called: Leukemia, acute myeloid, somatic; Leukemia, acute myelogenous, somatic; Acute myeloid leukemia, adult; AML adult; Acute non-lymphocytic leukemia; Acute granulocytic leukemia. Identifiers: Orphanet 519, MedGen C0023467, MeSH D015470, MONDO:0018874, OMIM 601626, HP:0004808. Disease mechanism: Constitutively activated FLT3.

Submissions (2):

GeneDx
Classification: Uncertain significance. Last evaluated: 2025-05-14. Review status: criteria provided, single submitter. Criteria: GeneDx Variant Classification Process June 2021. Collection method: clinical testing. Allele origin: germline. Affected: yes.
Comment: In-frame deletion of 4 amino acid(s) and insertion of 3 different amino acid(s) with an unclear effect on protein function; Not observed at significant frequency in large population cohorts (gnomAD); Has not been previously published as pathogenic or benign to our knowledge; In silico analysis suggests that this variant does not alter protein structure/function; This variant is associated with the following publications: (PMID: 21455213)

Labcorp Genetics (formerly Invitae), Labcorp
Classification: Uncertain significance for Acute myeloid leukemia. Last evaluated: 2023-10-10. Review status: criteria provided, single submitter. Criteria: Invitae Variant Classification Sherloc (09022015). Collection method: clinical testing. Allele origin: germline.
Comment: This variant, c.558_568delinsCTCGCACC , is a complex sequence change that results in the deletion of 4 and insertion of 3 amino acid(s) in the CEBPA protein (p.Pro187_Ser190delinsSerHisPro). The frequency data for this variant in the population databases is considered unreliable, as metrics indicate poor data quality at this position in the gnomAD database. This variant has not been reported in the literature in individuals affected with CEBPA-related conditions. ClinVar contains an entry for this variant (Variation ID: 1517575). Experimental studies and prediction algorithms are not available or were not evaluated, and the functional significance of this variant is currently unknown. In summary, the available evidence is currently insufficient to determine the role of this variant in disease. Therefore, it has been classified as a Variant of Uncertain Significance.

NM_004364.5(CEBPA):c.558_568delinsCTCGCACC (p.Pro187_Ser190delinsSerHisPro)

Gene: CEBPA (CCAAT enhancer binding protein alpha; minus strand). Cytogenetic location: 19q13.11.
Variant type: Indel.
Coding change: c.558_568delinsCTCGCACC on transcript NM_004364.5 (MANE Select); coding-DNA positions 558 to 568, GCCGCCGCCCT replaced by CTCGCACC.
Protein change: p.Pro187_Ser190delinsSerHisPro.
Molecular consequence: inframe indel.
Genome position (GRCh38, 1-based): chr19:33,301,847-33,301,857, AGGGCGGCGGC replaced by GGTGCGAG on the plus strand (GCCGCCGCCCT replaced by CTCGCACC on the coding strand, the reverse complement: CEBPA is on the minus strand). VCF-style: chr19-33301847-AGGGCGGCGGC-GGTGCGAG. GRCh37 (hg19) VCF-style: chr19-33792753-AGGGCGGCGGC-GGTGCGAG.
Other names: c.201_211delinsCTCGCACC, p.Pro68_Ser71delinsSerHisPro (NM_001285829.2); c.663_673delinsCTCGCACC, p.Pro222_Ser225delinsSerHisPro (NM_001287424.2); c.516_526delinsCTCGCACC, p.Pro173_Ser176delinsSerHisPro (NM_001287435.2); c.558_568delinsCTCGCACC (NM_004364.3).
Identifiers: ClinVar variation 579010 (VCV000579010.12), dbSNP rs1568419793, ClinGen allele CA891844457.
Genomic context (GRCh38, chr19:33,301,847, plus strand): 5'-TCTGGAACTGCAGGTGCGGGGCGGCCAGGTGCGCGGGCGGCGGGTGCGGGTGCGGGTGCG[AGGGCGGCGGC>GGTGCGAG]GGCGGCGGCGGCTGGTAAGGGAAGAGGCCGGCCAGCGCCAGCTGCTTGGCTTCATCCTCC-3'